The following is an entry in ClinVar:

ClinVar aggregate classification (germline): Uncertain significance. Review status: criteria provided, multiple submitters, no conflicts (2 of 4 stars). 2 submissions from 2 submitters: Uncertain significance (2). Last evaluated 2025-10-23.

Conditions:
Inborn genetic diseases. Identifiers: MedGen C0950123, MeSH D030342.

gnomAD v4.1: 8 of 1,613,562 alleles (0.0005%); highest among the groups gnomAD compares: Admixed American, 0.0033%; no homozygotes.

Submissions (2):

Labcorp Genetics (formerly Invitae), Labcorp
Classification: Uncertain significance. Last evaluated: 2025-10-23. Review status: criteria provided, single submitter. Criteria: Invitae Variant Classification Sherloc (09022015). Collection method: clinical testing. Allele origin: germline.
Comment: This sequence change replaces methionine, which is neutral and non-polar, with isoleucine, which is neutral and non-polar, at codon 413 of the CEP63 protein (p.Met413Ile). This variant is present in population databases (no rsID available, gnomAD 0.006%). This variant has not been reported in the literature in individuals affected with CEP63-related conditions. ClinVar contains an entry for this variant (Variation ID: 4226439). Invitae Evidence Modeling of protein sequence and biophysical properties (such as structural, functional, and spatial information, amino acid conservation, physicochemical variation, residue mobility, and thermodynamic stability) indicates that this missense variant is not expected to disrupt CEP63 protein function with a negative predictive value of 80%. In summary, the available evidence is currently insufficient to determine the role of this variant in disease. Therefore, it has been classified as a Variant of Uncertain Significance.

Ambry Genetics
Classification: Uncertain significance for Inborn genetic diseases. Last evaluated: 2025-08-10. Review status: criteria provided, single submitter. Criteria: Ambry Variant Classification Scheme 2023. Collection method: clinical testing. Allele origin: germline.

NM_001353108.3(CEP63):c.1239G>A (p.Met413Ile)

Gene: CEP63 (centrosomal protein 63; plus strand). Cytogenetic location: 3q22.2.
Variant type: single nucleotide variant.
Coding change: c.1239G>A on transcript NM_001353108.3 (MANE Select); coding-DNA position 1239, G replaced by A.
Protein change: p.Met413Ile; replaces methionine 413 with isoleucine.
Molecular consequence: missense variant. On other transcripts: non-coding transcript variant (4).
Genome position (GRCh38, 1-based): chr3:134,550,119, G>A. VCF-style: chr3-134550119-G-A. GRCh37 (hg19) VCF-style: chr3-134268961-G-A.
Other names: c.1101G>A, p.Met367Ile (NM_001042383.2, NM_001042384.2, NM_001353109.1 and 6 more transcripts); c.1239G>A, p.Met413Ile (NM_001042400.3, NM_001353110.1, NM_001353111.2 and 4 more transcripts); c.1128G>A, p.Met376Ile (NM_001353118.1); c.1017G>A, p.Met339Ile (NM_001353125.2); c.738G>A, p.Met246Ile (NM_001353126.2); short protein forms M246I, M376I, M413I, M367I, M339I.
Identifiers: ClinVar variation 4226439 (VCV004226439.2).
Genomic context (GRCh38, chr3:134,550,119, plus strand): 5'-ATAGTTGAAAGAACAGATTTTACAGGGTGAACAAAGTTACAGTTCTGCACTAGAAGGAAT[G>A]AAGATGGAAATCTCCCATCTAACTCAGGAGTTACATCAGCGAGATATCACTATTGCTTCC-3'
Protein context (NP_001340037.1, residues 403-423): EQSYSSALEG[Met413Ile]KMEISHLTQE